The following is an entry in ClinVar:

NM_000719.7(CACNA1C):c.372-12del

Gene: CACNA1C (calcium voltage-gated channel subunit alpha1 C; plus strand). Cytogenetic location: 12p13.33.
Variant type: Deletion.
Coding change: c.372-12del on transcript NM_000719.7 (MANE Select); 12 bases into the intron before coding-DNA position 372, one base deleted (T; older notation c.372-12delT).
Molecular consequence: intron variant.
Genome position (GRCh38, 1-based): chr12:2,120,313, T deleted. VCF-style (leftmost placement, unchanged base first): chr12-2120312-CT-C. GRCh37 (hg19) VCF-style: chr12-2229478-CT-C.
Other names: c.372-12del (NM_001167624.3, NM_001167623.2, NM_001167625.2 and 19 more transcripts).
Identifiers: ClinVar variation 3644880 (VCV003644880.2).

ClinVar aggregate classification (germline): Uncertain significance (1 of 4 stars; one submission).

Conditions:
Long QT syndrome (LQTS). Identifiers: MedGen C0023976, MeSH D008133, MONDO:0002442. Disease mechanism: loss of function. Inheritance: Various modes of inheritance.

Submission:

Labcorp Genetics (formerly Invitae), Labcorp
Classification: Uncertain significance for Long QT syndrome. Last evaluated: 2024-03-07. Review status: criteria provided, single submitter. Criteria: Invitae Variant Classification Sherloc (09022015). Collection method: clinical testing. Allele origin: germline.
Comment: This sequence change falls in intron 2 of the CACNA1C gene. It does not directly change the encoded amino acid sequence of the CACNA1C protein. This variant is not present in population databases (gnomAD no frequency). This variant has not been reported in the literature in individuals affected with CACNA1C-related conditions. Algorithms developed to predict the effect of sequence changes on RNA splicing suggest that this variant may disrupt the consensus splice site. In summary, the available evidence is currently insufficient to determine the role of this variant in disease. Therefore, it has been classified as a Variant of Uncertain Significance.